The following is an entry in ClinVar:

NM_030958.3(SLCO5A1):c.2464C>T (p.Pro822Ser)

Gene: SLCO5A1 (solute carrier organic anion transporter family member 5A1; minus strand). Cytogenetic location: 8q13.3.
Variant type: single nucleotide variant.
Coding change: c.2464C>T on transcript NM_030958.3 (MANE Select); coding-DNA position 2464, C replaced by T.
Protein change: p.Pro822Ser; replaces proline 822 with serine.
Molecular consequence: missense variant. On other transcripts: 3 prime UTR variant (1).
Genome position (GRCh38, 1-based): chr8:69,672,952, G>A on the plus strand (C>T on the coding strand, the complement: SLCO5A1 is on the minus strand). VCF-style: chr8-69672952-G-A. GRCh37 (hg19) VCF-style: chr8-70585187-G-A.
Other names: c.*335C>T (NM_001146008.2); c.2299C>T, p.Pro767Ser (NM_001146009.1); short protein forms P767S, P822S.
Identifiers: ClinVar variation 2802172 (VCV002802172.3), dbSNP rs371888202, ClinGen allele CA371231885.

ClinVar aggregate classification (germline): Uncertain significance (1 of 4 stars; one submission).

Allele frequency attached by ClinVar (database versions not stated): gnomAD exomes below 0.00001.
gnomAD v4.1: 3 of 1,614,082 alleles (0.00019%); highest among the groups gnomAD compares: African/African-American, 0.0013%; no homozygotes.

Submission:

Labcorp Genetics (formerly Invitae), Labcorp
Classification: Uncertain significance. Last evaluated: 2023-05-22. Review status: criteria provided, single submitter. Criteria: Invitae Variant Classification Sherloc (09022015). Collection method: clinical testing. Allele origin: germline.
Comment: This sequence change replaces proline, which is neutral and non-polar, with serine, which is neutral and polar, at codon 822 of the SLCO5A1 protein (p.Pro822Ser). This variant is not present in population databases (gnomAD no frequency). This variant has not been reported in the literature in individuals affected with SLCO5A1-related conditions. An algorithm developed to predict the effect of missense changes on protein structure and function (PolyPhen-2) suggests that this variant is likely to be tolerated. In summary, the available evidence is currently insufficient to determine the role of this variant in disease. Therefore, it has been classified as a Variant of Uncertain Significance.